The following is an entry in ClinVar:

NM_001111.5(ADAR):c.2553C>T (p.Cys851=)

Genes: ADAR (adenosine deaminase RNA specific; minus strand), LOC126805874 (CDK7 strongly-dependent group 2 enhancer GRCh37_chr1:154561176-154562375; plus strand). Cytogenetic location: 1q21.3.
Variant type: single nucleotide variant.
Coding change: c.2553C>T on transcript NM_001111.5 (MANE Select); coding-DNA position 2553, C replaced by T.
Protein change: p.Cys851=; no amino-acid change (cysteine 851 retained).
Molecular consequence: synonymous variant.
Genome position (GRCh38, 1-based): chr1:154,589,872, G>A on the plus strand (C>T on the coding strand, the complement: ADAR is on the minus strand). VCF-style: chr1-154589872-G-A. GRCh37 (hg19) VCF-style: chr1-154562348-G-A.
Other names: c.2553C>T, p.Cys851= (LRG_1212t1); c.1668C>T, p.Cys556= (NM_001025107.3, NM_001193495.2, NM_001365046.1 and 2 more transcripts); c.2580C>T, p.Cys860= (NM_001365045.1); c.1590C>T, p.Cys530= (NM_001365049.1); c.2475C>T, p.Cys825= (NM_015840.4); c.2418C>T, p.Cys806= (NM_015841.4).
Identifiers: ClinVar variation 285022 (VCV000285022.64), dbSNP rs138927668, ClinGen allele CA1131226.

ClinVar aggregate classification (germline): Benign/Likely benign. Review status: criteria provided, multiple submitters, no conflicts (2 of 4 stars). 13 submissions from 13 submitters: Benign (3); Likely benign (7). 3 of the submissions do not count toward it. Last evaluated 2026-09-01.

Conditions:
ADAR-related disorder. Also called: ADAR-related disorders; ADAR-related condition.
Aicardi-Goutieres syndrome 6 (AGS6). Identifiers: Orphanet 51, MedGen C3539013, MONDO:0014007, OMIM 615010.
Symmetrical dyschromatosis of extremities (DSH). Also called: DYSCHROMATOSIS SYMMETRICA HEREDITARIA 1; RETICULATE ACROPIGMENTATION OF DOHI; SYMMETRIC DYSCHROMATOSIS OF THE EXTREMITIES; Dyschromatosis symmetrica hereditaria. Identifiers: Orphanet 41, MedGen C0406775, MONDO:0007483, OMIM 127400.

Allele frequency attached by ClinVar (database versions not stated): 1000 Genomes Project 0.00100; ExAC 0.00243; gnomAD exomes 0.00249 and 0.00521; gnomAD 0.00286 and 0.00304; TOPMed 0.00286; ESP Exome Variant Server 0.00377.

Submissions (13):

CeGaT Center for Human Genetics Tuebingen
Classification: Likely benign. Last evaluated: 2026-09-01. Review status: criteria provided, single submitter. Criteria: CeGaT Center For Human Genetics Tuebingen Variant Classification Criteria Version 2. Collection method: clinical testing. Allele origin: germline. Affected: yes. Observed: 24 variant alleles.
Comment: ADAR: BP4, BP7, BS2

Women's Health and Genetics/Laboratory Corporation of America, LabCorp
Classification: Benign. Last evaluated: 2026-06-15. Review status: criteria provided, single submitter. Criteria: LabCorp Variant Classification Summary - May 2015. Collection method: clinical testing. Allele origin: germline.

Labcorp Genetics (formerly Invitae), Labcorp
Classification: Benign for Aicardi-Goutieres syndrome 6; Symmetrical dyschromatosis of extremities. Last evaluated: 2026-02-01. Review status: criteria provided, single submitter. Criteria: Invitae Variant Classification Sherloc (09022015). Collection method: clinical testing. Allele origin: germline.

Blueprint Genetics
Classification: Likely benign. Last evaluated: 2024-11-18. Review status: criteria provided, single submitter. Criteria: ACMG Guidelines, 2015. Collection method: clinical testing. Allele origin: germline.

Genome-Nilou Lab
Classification: Likely benign for Aicardi-Goutieres syndrome 6. Last evaluated: 2023-04-11. Review status: criteria provided, single submitter. Criteria: ACMG Guidelines, 2015. Collection method: clinical testing. Allele origin: germline. Affected: no.

GeneDx
Classification: Likely benign. Last evaluated: 2021-09-29. Review status: criteria provided, single submitter. Criteria: GeneDx Variant Classification Process June 2021. Collection method: clinical testing. Allele origin: germline. Affected: yes.

Fulgent Genetics
Classification: Likely benign for Symmetrical dyschromatosis of extremities; Aicardi-Goutieres syndrome 6. Last evaluated: 2021-08-26. Review status: criteria provided, single submitter. Criteria: ACMG Guidelines, 2015. Collection method: clinical testing. Allele origin: unknown.

Illumina Laboratory Services, Illumina
Classification: Benign for Symmetrical dyschromatosis of extremities. Last evaluated: 2018-01-13. Review status: criteria provided, single submitter. Criteria: ICSL Variant Classification Criteria 13 December 2019. Collection method: clinical testing. Allele origin: germline.
Comment: This variant was observed in the ICSL laboratory as part of a predisposition screen in an ostensibly healthy population. It had not been previously curated by ICSL or reported in the Human Gene Mutation Database (HGMD: prior to June 1st, 2018), and was therefore a candidate for classification through an automated scoring system. Utilizing variant allele frequency, disease prevalence and penetrance estimates, and inheritance mode, an automated score was calculated to assess if this variant is too frequent to cause the disease. Based on the score and internal cut-off values, a variant classified as benign is not then subjected to further curation. The score for this variant resulted in a classification of benign for this disease.

Eurofins Ntd Llc (ga)
Classification: Likely benign. Last evaluated: 2015-12-09. Review status: criteria provided, single submitter. Criteria: EGL Classification Definitions 2015. Collection method: clinical testing. Allele origin: germline. Observed: 1 variant allele, 1 heterozygote.

Breakthrough Genomics
Classification: Likely benign. Review status: criteria provided, single submitter. Criteria: ACMG Guidelines, 2015. Collection method: not provided. Allele origin: germline. Inheritance: Autosomal recessive inheritance. Affected: yes.

PreventionGenetics, part of Exact Sciences
Classification: Likely benign for ADAR-related condition. Last evaluated: 2019-06-15. Review status: no assertion criteria provided. Collection method: clinical testing. Allele origin: germline. Not counted in ClinVar's aggregate classification.
Comment: This variant is classified as likely benign based on ACMG/AMP sequence variant interpretation guidelines (Richards et al. 2015 PMID: 25741868, with internal and published modifications).

Diagnostic Laboratory, Department of Genetics, University Medical Center Groningen
Classification: Likely benign. Review status: no assertion criteria provided. Collection method: clinical testing. Allele origin: germline. Affected: yes. Study: VKGL Data-share Consensus. Not counted in ClinVar's aggregate classification.

Genome Diagnostics Laboratory, University Medical Center Utrecht
Classification: Benign. Review status: no assertion criteria provided. Collection method: clinical testing. Allele origin: germline. Affected: yes. Study: VKGL Data-share Consensus. Not counted in ClinVar's aggregate classification.